The following is an entry in ClinVar:

NM_004385.5(VCAN):c.1413G>A (p.Thr471=)

Gene: VCAN (versican; plus strand). Cytogenetic location: 5q14.3.
Variant type: single nucleotide variant.
Coding change: c.1413G>A on transcript NM_004385.5 (MANE Select); coding-DNA position 1413, G replaced by A.
Protein change: p.Thr471=; no amino-acid change (threonine 471 retained).
Molecular consequence: synonymous variant. On other transcripts: intron variant (2).
Genome position (GRCh38, 1-based): chr5:83,519,719, G>A. VCF-style: chr5-83519719-G-A. GRCh37 (hg19) VCF-style: chr5-82815538-G-A.
Other names: c.1413G>A (NM_004385.4); c.1413G>A, p.Thr471= (NM_001164098.2); c.1042+7323G>A (NM_001164097.2, NM_001126336.3).
Identifiers: ClinVar variation 1167855 (VCV001167855.11), dbSNP rs182822707, ClinGen allele CA3332670.

ClinVar aggregate classification (germline): Benign/Likely benign. Review status: criteria provided, multiple submitters, no conflicts (2 of 4 stars). 3 submissions from 3 submitters: Benign (1); Likely benign (2). Last evaluated 2026-01-25.

Conditions:
VCAN-related disorder. Also called: VCAN-related condition.

Allele frequency attached by ClinVar (database versions not stated): gnomAD exomes 0.00004 and 0.00016; gnomAD 0.00006; TOPMed 0.00012; ExAC 0.00015; 1000 Genomes Project 30x 0.00016; 1000 Genomes Project 0.00020.
gnomAD v4.1: 75 of 1,614,100 alleles (0.0046%); highest among the groups gnomAD compares: East Asian, 0.11%; no homozygotes.

Submissions (3):

Labcorp Genetics (formerly Invitae), Labcorp
Classification: Benign. Last evaluated: 2026-01-25. Review status: criteria provided, single submitter. Criteria: Invitae Variant Classification Sherloc (09022015). Collection method: clinical testing. Allele origin: germline.

PreventionGenetics, part of Exact Sciences
Classification: Likely benign for VCAN-related condition. Last evaluated: 2025-09-03. Review status: criteria provided, single submitter. Criteria: ACMG Guidelines, 2015. Collection method: clinical testing. Allele origin: germline.
Comment: This variant is classified as likely benign based on ACMG/AMP sequence variant interpretation guidelines (Richards et al. 2015 PMID: 25741868, with internal and published modifications).

Blueprint Genetics
Classification: Likely benign. Last evaluated: 2024-06-04. Review status: criteria provided, single submitter. Criteria: ACMG Guidelines, 2015. Collection method: clinical testing. Allele origin: germline.